The following is an entry in ClinVar:

NM_001127222.2(CACNA1A):c.2416G>A (p.Ala806Thr)

Gene: CACNA1A (calcium voltage-gated channel subunit alpha1 A; minus strand). Cytogenetic location: 19p13.13.
Variant type: single nucleotide variant.
Coding change: c.2416G>A on transcript NM_001127222.2 (MANE Select); coding-DNA position 2416, G replaced by A.
Protein change: p.Ala806Thr; replaces alanine 806 with threonine.
Molecular consequence: missense variant.
Genome position (GRCh38, 1-based): chr19:13,299,217, C>T on the plus strand (G>A on the coding strand, the complement: CACNA1A is on the minus strand). VCF-style: chr19-13299217-C-T. GRCh37 (hg19) VCF-style: chr19-13410031-C-T.
Other names: c.2428G>A, p.Ala810Thr (NM_000068.4, NM_023035.3); c.2419G>A, p.Ala807Thr (NM_001127221.2, NM_001174080.2); short protein forms A807T, A810T, A806T.
Identifiers: ClinVar variation 4789729 (VCV004789729.1).

ClinVar aggregate classification (germline): Uncertain significance (1 of 4 stars; one submission).

Conditions:
Episodic ataxia type 2 (EA2). Also called: ACETAZOLAMIDE-RESPONSIVE HEREDITARY PAROXYSMAL CEREBELLAR ATAXIA; ATAXIA, EPISODIC, WITH NYSTAGMUS; ATAXIA, FAMILIAL PAROXYSMAL; CEREBELLAR ATAXIA, PAROXYSMAL, ACETAZOLAMIDE-RESPONSIVE; CEREBELLOPATHY, HEREDITARY PAROXYSMAL; EPISODIC ATAXIA, NYSTAGMUS-ASSOCIATED. Identifiers: Orphanet 97, MedGen C1720416, MONDO:0007163, OMIM 108500.
Developmental and epileptic encephalopathy, 42 (DEE42A). Also called: Epileptic encephalopathy, early infantile, 42; DEVELOPMENTAL AND EPILEPTIC ENCEPHALOPATHY 42A; EPILEPTIC ENCEPHALOPATHY, EARLY INFANTILE, 42A. Identifiers: MedGen C4310716, MONDO:0014917, OMIM 617106.

Submission:

Labcorp Genetics (formerly Invitae), Labcorp
Classification: Uncertain significance for Developmental and epileptic encephalopathy, 42; Episodic ataxia type 2. Last evaluated: 2025-03-29. Review status: criteria provided, single submitter. Criteria: Invitae Variant Classification Sherloc (09022015). Collection method: clinical testing. Allele origin: germline.
Comment: This sequence change replaces alanine, which is neutral and non-polar, with threonine, which is neutral and polar, at codon 807 of the CACNA1A protein (p.Ala807Thr). This variant is not present in population databases (gnomAD no frequency). This variant has not been reported in the literature in individuals affected with CACNA1A-related conditions. Invitae Evidence Modeling of protein sequence and biophysical properties (such as structural, functional, and spatial information, amino acid conservation, physicochemical variation, residue mobility, and thermodynamic stability) indicates that this missense variant is not expected to disrupt CACNA1A protein function with a negative predictive value of 95%. In summary, the available evidence is currently insufficient to determine the role of this variant in disease. Therefore, it has been classified as a Variant of Uncertain Significance.